The following is an entry in ClinVar:

NM_003239.5(TGFB3):c.96C>T (p.Phe32=)

Gene: TGFB3 (transforming growth factor beta 3; minus strand). Cytogenetic location: 14q24.3.
Variant type: single nucleotide variant.
Coding change: c.96C>T on transcript NM_003239.5 (MANE Select); coding-DNA position 96, C replaced by T.
Protein change: p.Phe32=; no amino-acid change (phenylalanine 32 retained).
Molecular consequence: synonymous variant.
Genome position (GRCh38, 1-based): chr14:75,980,798, G>A on the plus strand (C>T on the coding strand, the complement: TGFB3 is on the minus strand). VCF-style: chr14-75980798-G-A. GRCh37 (hg19) VCF-style: chr14-76447141-G-A.
Other names: c.96C>T, p.Phe32= (NM_001329938.2, NM_001329939.2); c.96C>T (NM_003239.4).
Identifiers: ClinVar variation 477650 (VCV000477650.28), dbSNP rs748977151, ClinGen allele CA7280519.

ClinVar aggregate classification (germline): Benign/Likely benign. Review status: criteria provided, multiple submitters, no conflicts (2 of 4 stars). 8 submissions from 8 submitters: Benign (1); Likely benign (7). Last evaluated 2026-02-03.

Conditions:
Familial thoracic aortic aneurysm and aortic dissection (TAAD). Also called: Thoracic aortic aneurysms and dissections. Identifiers: Orphanet 91387, MedGen C4707243, MONDO:0019625.
Rienhoff syndrome. Also called: LOEYS-DIETZ SYNDROME 5. Identifiers: MedGen C3810012, MONDO:0014262, OMIM 615582.

Allele frequency attached by ClinVar (database versions not stated): TOPMed 0.00005; gnomAD exomes 0.00006; ExAC 0.00007.

Submissions (8):

Labcorp Genetics (formerly Invitae), Labcorp
Classification: Likely benign for Rienhoff syndrome. Last evaluated: 2026-02-03. Review status: criteria provided, single submitter. Criteria: Invitae Variant Classification Sherloc (09022015). Collection method: clinical testing. Allele origin: germline.

CeGaT Center for Human Genetics Tuebingen
Classification: Likely benign. Last evaluated: 2025-12-01. Review status: criteria provided, single submitter. Criteria: CeGaT Center For Human Genetics Tuebingen Variant Classification Criteria Version 2. Collection method: clinical testing. Allele origin: germline. Affected: yes. Observed: 2 variant alleles.
Comment: TGFB3: BP4, BP7

Molecular Diagnostic Laboratory for Inherited Cardiovascular Disease, Montreal Heart Institute
Classification: Likely benign. Last evaluated: 2025-07-24. Review status: criteria provided, single submitter. Criteria: ACMG Guidelines, 2015. Collection method: clinical testing. Allele origin: germline. Affected: no.
Comment: BP7

Blueprint Genetics
Classification: Likely benign. Last evaluated: 2022-08-24. Review status: criteria provided, single submitter. Criteria: ACMG Guidelines, 2015. Collection method: clinical testing. Allele origin: germline.

CHEO Genetics Diagnostic Laboratory, Children's Hospital of Eastern Ontario
Classification: Likely benign for Familial thoracic aortic aneurysm and aortic dissection. Last evaluated: 2021-06-01. Review status: criteria provided, single submitter. Criteria: ACMG Guidelines, 2015. Collection method: clinical testing. Allele origin: germline.

Women's Health and Genetics/Laboratory Corporation of America, LabCorp
Classification: Benign. Last evaluated: 2017-11-20. Review status: criteria provided, single submitter. Criteria: LabCorp Variant Classification Summary - May 2015. Collection method: clinical testing. Allele origin: germline.
Comment: Variant summary: The c.96C>T (p.Phe32=) in TGFB3 gene is a synonymous change that involves a non-conserved nucleotide. 5/5 programs in Alamut predict that this variant does not affect splicing, however no functional studies supporting this notion were published at the time of evaluation. The variant is present in control dataset of gnomAD at a frequency of 0.0000541 (15/277212 chrs tested), predominantly in individuals of South Asian descent (0.00032; 10/30782 chrs). These frequencies exceed the estimated maximum allele frequency for a pathogenic allele in this gene (0.00001). The variant of interest has not, to our knowledge, been reported in affected individuals via published reports or sited by a reputable database/clinical laboratory. Taking together, the variant was classified as Benign.

Ambry Genetics
Classification: Likely benign for Familial thoracic aortic aneurysm and aortic dissection. Last evaluated: 2016-02-01. Review status: criteria provided, single submitter. Criteria: Ambry Variant Classification Scheme 2023. Collection method: clinical testing. Allele origin: germline.

Breakthrough Genomics
Classification: Likely benign. Review status: criteria provided, single submitter. Criteria: ACMG Guidelines, 2015. Collection method: not provided. Allele origin: germline. Inheritance: Autosomal dominant inheritance. Affected: yes.